The following is an entry in ClinVar:

NM_030665.4(RAI1):c.2446G>T (p.Gly816Cys)

Gene: RAI1 (retinoic acid induced 1; plus strand). Cytogenetic location: 17p11.2.
Variant type: single nucleotide variant.
Coding change: c.2446G>T on transcript NM_030665.4 (MANE Select); coding-DNA position 2446, G replaced by T.
Protein change: p.Gly816Cys; replaces glycine 816 with cysteine.
Molecular consequence: missense variant.
Genome position (GRCh38, 1-based): chr17:17,795,394, G>T. VCF-style: chr17-17795394-G-T. GRCh37 (hg19) VCF-style: chr17-17698708-G-T.
Other names: c.2446G>T (NM_030665.3); short protein forms G816C.
Identifiers: ClinVar variation 3704454 (VCV003704454.3).

ClinVar aggregate classification (germline): Uncertain significance. Review status: criteria provided, multiple submitters, no conflicts (2 of 4 stars). 2 submissions from 2 submitters: Uncertain significance (2). Last evaluated 2025-11-26.

Conditions:
RAI1-related disorder. Also called: RAI1-related condition.

gnomAD v4.1: 14 of 1,592,900 alleles (0.00088%); highest among the groups gnomAD compares: Non-Finnish European, 0.0012%; no homozygotes.

Submissions (2):

PreventionGenetics, part of Exact Sciences
Classification: Uncertain significance for RAI1-related condition. Last evaluated: 2025-11-26. Review status: criteria provided, single submitter. Criteria: ACMG Guidelines, 2015. Collection method: clinical testing. Allele origin: germline.
Comment: The RAI1 c.2446G>T variant is predicted to result in the amino acid substitution p.Gly816Cys. To our knowledge, this variant has not been reported in the literature or in a large population database (gnomAD), indicating this variant is rare. At this time, the clinical significance of this variant is uncertain due to the absence of conclusive functional and genetic evidence.

Labcorp Genetics (formerly Invitae), Labcorp
Classification: Uncertain significance. Last evaluated: 2024-08-20. Review status: criteria provided, single submitter. Criteria: Invitae Variant Classification Sherloc (09022015). Collection method: clinical testing. Allele origin: germline.
Comment: This sequence change replaces glycine, which is neutral and non-polar, with cysteine, which is neutral and slightly polar, at codon 816 of the RAI1 protein (p.Gly816Cys). This variant is not present in population databases (gnomAD no frequency). This variant has not been reported in the literature in individuals affected with RAI1-related conditions. Invitae Evidence Modeling of protein sequence and biophysical properties (such as structural, functional, and spatial information, amino acid conservation, physicochemical variation, residue mobility, and thermodynamic stability) indicates that this missense variant is not expected to disrupt RAI1 protein function with a negative predictive value of 80%. In summary, the available evidence is currently insufficient to determine the role of this variant in disease. Therefore, it has been classified as a Variant of Uncertain Significance.